The following is an entry in ClinVar:

NM_000053.4(ATP7B):c.3036dup (p.Lys1013fs)

Gene: ATP7B (ATPase copper transporting beta; minus strand). Cytogenetic location: 13q14.3.
Variant type: Duplication.
Coding change: c.3036dup on transcript NM_000053.4 (MANE Select); coding-DNA position 3036, one base duplicated (C; older notation c.3036dupC).
Protein change: p.Lys1013fs; shifts the reading frame from lysine 1013.
Molecular consequence: frameshift variant.
Genome position (GRCh38, 1-based): chr13:51,946,308, G duplicated on the plus strand (C on the coding strand, the reverse complement: ATP7B is on the minus strand). VCF-style (leftmost placement, unchanged base first): chr13-51946307-T-TG. GRCh37 (hg19) VCF-style: chr13-52520443-T-TG.
Other names: c.2802dup, p.Lys935fs (NM_001330578.2); c.2784dup, p.Lys929fs (NM_001330579.2); c.3036dupC (NM_000053.4); c.2415dup, p.Lys806fs (NM_001005918.3); c.2703dup, p.Lys902fs (NM_001243182.2); short protein forms K806fs, K929fs, K1013fs, K902fs, K935fs.
Identifiers: ClinVar variation 495410 (VCV000495410.12), dbSNP rs1555287300, ClinGen allele CA658683874.

ClinVar aggregate classification (germline): Pathogenic/Likely pathogenic. Review status: criteria provided, multiple submitters, no conflicts (2 of 4 stars). 3 submissions from 3 submitters: Pathogenic (2); Likely pathogenic (1). Last evaluated 2024-10-08.

Conditions:
Wilson disease (WND). Also called: Wilson's disease. Identifiers: Orphanet 905, MedGen C0019202, MONDO:0010200, OMIM 277900. Disease mechanism: loss of function.

Allele frequency attached by ClinVar (database versions not stated): gnomAD exomes below 0.00001.

Submissions (3):

Women's Health and Genetics/Laboratory Corporation of America, LabCorp
Classification: Pathogenic for Wilson disease. Last evaluated: 2024-10-08. Review status: criteria provided, single submitter. Criteria: LabCorp Variant Classification Summary - May 2015. Collection method: clinical testing. Allele origin: germline.
Comment: Variant summary: ATP7B c.3036dupC (p.Lys1013GlnfsX15) results in a premature termination codon, predicted to cause a truncation of the encoded protein or absence of the protein due to nonsense mediated decay, which are commonly known mechanisms for disease. The variant was absent in 220142 control chromosomes. c.3036dupC has been reported in the literature in at least one compound heterozygous individual affected with Wilson Disease (e.g. Balashova_2020). To our knowledge, no experimental evidence demonstrating an impact on protein function has been reported. The following publication has been ascertained in the context of this evaluation (PMID: 31708252). ClinVar contains an entry for this variant (Variation ID: 495410). Based on the evidence outlined above, the variant was classified as pathogenic.

Labcorp Genetics (formerly Invitae), Labcorp
Classification: Pathogenic for Wilson disease. Last evaluated: 2023-06-29. Review status: criteria provided, single submitter. Criteria: Invitae Variant Classification Sherloc (09022015). Collection method: clinical testing. Allele origin: germline.
Comment: This sequence change creates a premature translational stop signal (p.Lys1013Glnfs*15) in the ATP7B gene. It is expected to result in an absent or disrupted protein product. Loss-of-function variants in ATP7B are known to be pathogenic (PMID: 10441329, 16283883). This variant is not present in population databases (gnomAD no frequency). This premature translational stop signal has been observed in individual(s) with Wilson disease (PMID: 31708252). ClinVar contains an entry for this variant (Variation ID: 495410). For these reasons, this variant has been classified as Pathogenic.

Genome-Nilou Lab
Classification: Likely pathogenic for Wilson disease. Last evaluated: 2021-08-10. Review status: criteria provided, single submitter. Criteria: ACMG Guidelines, 2015. Collection method: clinical testing. Allele origin: germline. Affected: no.

Literature cited by the submitters: PubMed 31708252 (cited by Women's Health and Genetics/Laboratory Corporation of America, LabCorp and Labcorp Genetics (formerly Invitae), Labcorp); PubMed 10441329 (cited by Labcorp Genetics (formerly Invitae), Labcorp); PubMed 16283883 (cited by Labcorp Genetics (formerly Invitae), Labcorp).